The following is an entry in ClinVar:

NM_004525.3(LRP2):c.8779G>A (p.Gly2927Ser)

Gene: LRP2 (LDL receptor related protein 2; minus strand). Cytogenetic location: 2q31.1.
Variant type: single nucleotide variant.
Coding change: c.8779G>A on transcript NM_004525.3 (MANE Select); coding-DNA position 8779, G replaced by A.
Protein change: p.Gly2927Ser; replaces glycine 2927 with serine.
Molecular consequence: missense variant.
Genome position (GRCh38, 1-based): chr2:169,193,812, C>T on the plus strand (G>A on the coding strand, the complement: LRP2 is on the minus strand). VCF-style: chr2-169193812-C-T. GRCh37 (hg19) VCF-style: chr2-170050322-C-T.
Other names: short protein forms G2927S.
Identifiers: ClinVar variation 1927569 (VCV001927569.2), dbSNP rs1159426211, ClinGen allele CA349160528.
Genomic context (GRCh38, chr2:169,193,812, plus strand): 5'-TTCACTTACGACACTGGTGCCTTTTATCCTCGTCACTCATATCCCCACAGTCATTATCAC[C>T]GTCACAGATCCATTCGCTTGGGATGCACCTCCCACCATCACACTTGAACTCATCAGCTAG-3'
Protein context (NP_004516.2, residues 2917-2937): RCIPSEWICD[Gly2927Ser]DNDCGDMSDE

ClinVar aggregate classification (germline): Uncertain significance (1 of 4 stars; one submission).

Allele frequency attached by ClinVar (database versions not stated): gnomAD exomes below 0.00001; TOPMed below 0.00001; gnomAD 0.00001.
gnomAD v4.1: 7 of 1,614,034 alleles (0.00043%); highest among the groups gnomAD compares: African/African-American, 0.0013%; no homozygotes.

Submission:

Labcorp Genetics (formerly Invitae), Labcorp
Classification: Uncertain significance. Last evaluated: 2022-06-15. Review status: criteria provided, single submitter. Criteria: Invitae Variant Classification Sherloc (09022015). Collection method: clinical testing. Allele origin: germline.
Comment: This sequence change replaces glycine, which is neutral and non-polar, with serine, which is neutral and polar, at codon 2927 of the LRP2 protein (p.Gly2927Ser). This variant is present in population databases (no rsID available, gnomAD 0.01%). This variant has not been reported in the literature in individuals affected with LRP2-related conditions. Advanced modeling of protein sequence and biophysical properties (such as structural, functional, and spatial information, amino acid conservation, physicochemical variation, residue mobility, and thermodynamic stability) performed at Invitae indicates that this missense variant is not expected to disrupt LRP2 protein function. In summary, the available evidence is currently insufficient to determine the role of this variant in disease. Therefore, it has been classified as a Variant of Uncertain Significance.